The following is an entry in ClinVar:

ClinVar aggregate classification (germline): Uncertain significance (1 of 4 stars; one submission).

Conditions:
Hermansky-Pudlak syndrome 2 (HPS2). Also called: Platelet defects and oculocutaneous albinism. Identifiers: Orphanet 183678, Orphanet 79430, MedGen C1842362, MONDO:0011997, OMIM 608233.

Submission:

Labcorp Genetics (formerly Invitae), Labcorp
Classification: Uncertain significance for Hermansky-Pudlak syndrome 2. Last evaluated: 2021-04-08. Review status: criteria provided, single submitter. Criteria: Invitae Variant Classification Sherloc (09022015). Collection method: clinical testing. Allele origin: germline.
Comment: This variant has not been reported in the literature in individuals with AP3B1-related conditions. This sequence change replaces isoleucine with leucine at codon 479 of the AP3B1 protein (p.Ile479Leu). The isoleucine residue is highly conserved and there is a small physicochemical difference between isoleucine and leucine. This variant is not present in population databases (ExAC no frequency). Algorithms developed to predict the effect of missense changes on protein structure and function (SIFT, PolyPhen-2, Align-GVGD) all suggest that this variant is likely to be tolerated, but these predictions have not been confirmed by published functional studies and their clinical significance is uncertain. In summary, the available evidence is currently insufficient to determine the role of this variant in disease. Therefore, it has been classified as a Variant of Uncertain Significance.

NM_003664.5(AP3B1):c.1435A>C (p.Ile479Leu)

Gene: AP3B1 (adaptor related protein complex 3 subunit beta 1; minus strand). Cytogenetic location: 5q14.1.
Variant type: single nucleotide variant.
Coding change: c.1435A>C on transcript NM_003664.5 (MANE Select); coding-DNA position 1435, A replaced by C.
Protein change: p.Ile479Leu; replaces isoleucine 479 with leucine.
Molecular consequence: missense variant.
Genome position (GRCh38, 1-based): chr5:78,156,296, T>G on the plus strand (A>C on the coding strand, the complement: AP3B1 is on the minus strand). VCF-style: chr5-78156296-T-G. GRCh37 (hg19) VCF-style: chr5-77452120-T-G.
Other names: c.1288A>C, p.Ile430Leu (NM_001271769.2); short protein forms I479L, I430L.
Identifiers: ClinVar variation 1475680 (VCV001475680.8), dbSNP rs2112357067, ClinGen allele CA360189196.
Genomic context (GRCh38, chr5:78,156,296, plus strand): 5'-ACATCTCTTAATTGATACTCACAGTGATACTGTCCAGGAGTTTGGCCATATGTTTAATAA[T>G]TTCACCATGTTGTGCAGGTTGCATTTGCAGTAATTTCTTTATAACAACCACACTTTCAGC-3'
Protein context (NP_003655.3, residues 469-489): LQMQPAQHGE[Ile479Leu]IKHMAKLLDS